The following is an entry in ClinVar:

NM_024513.4(FYCO1):c.233T>C (p.Leu78Pro)

Gene: FYCO1 (FYVE and coiled-coil domain autophagy adaptor 1; minus strand). Cytogenetic location: 3p21.31.
Variant type: single nucleotide variant.
Coding change: c.233T>C on transcript NM_024513.4 (MANE Select); coding-DNA position 233, T replaced by C.
Protein change: p.Leu78Pro; replaces leucine 78 with proline.
Molecular consequence: missense variant. On other transcripts: non-coding transcript variant (1), intron variant (1).
Genome position (GRCh38, 1-based): chr3:45,979,760, A>G on the plus strand (T>C on the coding strand, the complement: FYCO1 is on the minus strand). VCF-style: chr3-45979760-A-G. GRCh37 (hg19) VCF-style: chr3-46021252-A-G.
Other names: c.233T>C, p.Leu78Pro (NM_001386421.1, NM_001386422.1, NM_001386423.1 and 5 more transcripts); c.113T>C, p.Leu38Pro (NM_001386426.1); c.-62+5096T>C (NM_001386430.1); short protein forms L38P, L78P.
Identifiers: ClinVar variation 5020292 (VCV005020292.1).

ClinVar aggregate classification (germline): Uncertain significance (1 of 4 stars; one submission).

Submission:

Dasa
Classification: Uncertain significance. Last evaluated: 2026-06-27. Review status: criteria provided, single submitter. Criteria: DASA Assertion Criteria. Collection method: clinical testing. Allele origin: germline.
Comment: NM_024513.4(FYCO1):c.233T>C (p.Leu78Pro) is a missense variant that results in the substitution of leucine with proline. This variant is absent from population databases. Computational prediction algorithms are consistent with a deleterious effect. The currently available literature and clinical evidence are not sufficient to establish a definitive association between this variant and the reported condition. Therefore, this variant is classified as a variant of uncertain significance.